The following is an entry in ClinVar:

NC_000011.9:g.(?_73872424)_(73872621_?)dup

Gene: C2CD3 (C2 domain containing 3 centriole elongation regulator; minus strand). Cytogenetic location: 11q13.4.
Variant type: Duplication.
Identifiers: ClinVar variation 2426179 (VCV002426179.3).

ClinVar aggregate classification (germline): Likely pathogenic (1 of 4 stars; one submission).

Submission:

Labcorp Genetics (formerly Invitae), Labcorp
Classification: Likely pathogenic. Last evaluated: 2023-02-02. Review status: criteria provided, single submitter. Criteria: Invitae Variant Classification Sherloc (09022015). Collection method: clinical testing. Allele origin: germline.
Comment: In summary, the currently available evidence indicates that the variant is pathogenic, but additional data are needed to prove that conclusively. Therefore, this variant has been classified as Likely Pathogenic. This variant has not been reported in the literature in individuals affected with C2CD3-related conditions. This variant results in a copy number gain of the genomic region encompassing exon(s) 3 of the C2CD3 gene. While the exact position of this variant cannot be determined from the data, sub-genic copy number gains are generally in tandem (PMID: 25640679). This variant is predicted to be out-of-frame, and may result in an absent or disrupted protein product. Loss-of-function variants in C2CD3 are known to be pathogenic (PMID: 24997988, 26477546).

Literature cited by the submitters: PubMed 25640679; PubMed 24997988; PubMed 26477546.